The following is an entry in ClinVar:

NM_001271.4(CHD2):c.3238-255T>C

Gene: CHD2 (chromodomain helicase DNA binding protein 2; plus strand). Cytogenetic location: 15q26.1.
Variant type: single nucleotide variant.
Coding change: c.3238-255T>C on transcript NM_001271.4 (MANE Select); 255 bases into the intron before coding-DNA position 3238, T replaced by C.
Molecular consequence: intron variant.
Genome position (GRCh38, 1-based): chr15:92,985,243, T>C. VCF-style: chr15-92985243-T-C. GRCh37 (hg19) VCF-style: chr15-93528473-T-C.
Identifiers: ClinVar variation 668081 (VCV000668081.1), dbSNP rs11639256, ClinGen allele CA14174336.

ClinVar aggregate classification (germline): Benign (1 of 4 stars; one submission).

Allele frequency attached by ClinVar (database versions not stated): gnomAD 0.67590 and 0.68642; TOPMed 0.68253; 1000 Genomes Project 30x 0.72486; 1000 Genomes Project 0.73702.
gnomAD v4.1: 104,628 of 152,096 alleles (69%); highest among the groups gnomAD compares: East Asian, 98%; 37,370 homozygotes.

Submission:

GeneDx
Classification: Benign. Last evaluated: 2018-06-18. Review status: criteria provided, single submitter. Criteria: GeneDx Variant Classification (06012015). Collection method: clinical testing. Allele origin: germline. Affected: yes.
Comment: This variant is considered likely benign or benign based on one or more of the following criteria: it is a conservative change, it occurs at a poorly conserved position in the protein, it is predicted to be benign by multiple in silico algorithms, and/or has population frequency not consistent with disease.